The following is an entry in ClinVar:

NM_024334.3(TMEM43):c.100G>A (p.Gly34Ser)

Gene: TMEM43 (transmembrane protein 43; plus strand). Cytogenetic location: 3p25.1.
Variant type: single nucleotide variant.
Coding change: c.100G>A on transcript NM_024334.3 (MANE Select); coding-DNA position 100, G replaced by A.
Protein change: p.Gly34Ser; replaces glycine 34 with serine.
Molecular consequence: missense variant.
Genome position (GRCh38, 1-based): chr3:14,129,499, G>A. VCF-style: chr3-14129499-G-A. GRCh37 (hg19) VCF-style: chr3-14170999-G-A.
Other names: short protein forms G34S.
Identifiers: ClinVar variation 1348526 (VCV001348526.9), dbSNP rs1376541965, ClinGen allele CA351534331.

ClinVar aggregate classification (germline): Uncertain significance. Review status: criteria provided, multiple submitters, no conflicts (2 of 4 stars). 2 submissions from 2 submitters: Uncertain significance (2). Last evaluated 2024-09-25.

Conditions:
Arrhythmogenic right ventricular dysplasia 5. Also called: Arrhythmogenic Right Ventricular Dysplasia/Cardiomyopathy 5; ARRHYTHMOGENIC RIGHT VENTRICULAR DYSPLASIA, FAMILIAL, 5. Identifiers: MedGen C1858379, MONDO:0011459, OMIM 604400.

Allele frequency attached by ClinVar (database versions not stated): gnomAD exomes below 0.00001.
gnomAD v4.1: 1 of 1,614,076 alleles (0.000062%); highest among the groups gnomAD compares: African/African-American, 0.0013%; no homozygotes.

Submissions (2):

Labcorp Genetics (formerly Invitae), Labcorp
Classification: Uncertain significance for Arrhythmogenic right ventricular dysplasia 5. Last evaluated: 2024-09-25. Review status: criteria provided, single submitter. Criteria: Invitae Variant Classification Sherloc (09022015). Collection method: clinical testing. Allele origin: germline.
Comment: This sequence change replaces glycine, which is neutral and non-polar, with serine, which is neutral and polar, at codon 34 of the TMEM43 protein (p.Gly34Ser). This variant is present in population databases (no rsID available, gnomAD 0.007%). This variant has not been reported in the literature in individuals affected with TMEM43-related conditions. ClinVar contains an entry for this variant (Variation ID: 1348526). Invitae Evidence Modeling of protein sequence and biophysical properties (such as structural, functional, and spatial information, amino acid conservation, physicochemical variation, residue mobility, and thermodynamic stability) indicates that this missense variant is not expected to disrupt TMEM43 protein function with a negative predictive value of 80%. In summary, the available evidence is currently insufficient to determine the role of this variant in disease. Therefore, it has been classified as a Variant of Uncertain Significance.

All of Us Research Program, National Institutes of Health
Classification: Uncertain significance for Arrhythmogenic right ventricular dysplasia 5. Last evaluated: 2023-09-17. Review status: criteria provided, single submitter. Criteria: ACMG Guidelines, 2015. Collection method: clinical testing. Allele origin: germline. Inheritance: Autosomal dominant inheritance. Observed: 1 variant allele, 1 heterozygote.
Comment: This missense variant replaces glycine with serine at codon 34 of the TMEM43 protein. Computational prediction suggests that this variant may not impact protein structure and function (internally defined REVEL score threshold <= 0.5, PMID: 27666373). To our knowledge, functional studies have not been reported for this variant. This variant has not been reported in individuals affected with TMEM43-related disorders in the literature. This variant has been identified in 1/251358 chromosomes in the general population by the Genome Aggregation Database (gnomAD). The available evidence is insufficient to determine the role of this variant in disease conclusively. Therefore, this variant is classified as a Variant of Uncertain Significance.

This study involves interpretation of variants in research participants for the purpose of population health screening. Participant phenotype was not available at the time of variant classification. Additional details can be found in publication PMID: 35346344, PMCID: PMC8962531